The following is an entry in ClinVar:

NM_015443.4(KANSL1):c.406G>C (p.Glu136Gln)

Gene: KANSL1 (KAT8 regulatory NSL complex subunit 1). Cytogenetic location: 17q21.31.
Variant type: single nucleotide variant.
Coding change: c.406G>C on transcript NM_015443.4 (MANE Select); coding-DNA position 406, G replaced by C.
Protein change: p.Glu136Gln; replaces glutamic acid 136 with glutamine.
Molecular consequence: missense variant.
Genome position (GRCh38, 1-based): chr17:46,171,738, C>G on the plus strand (G>C on the coding strand, the complement: KANSL1 is on the minus strand). VCF-style: chr17-46171738-C-G. GRCh37 (hg19) VCF-style: chr17-44249104-C-G.
Other names: c.406G>C, p.Glu136Gln (NM_001193465.2, NM_001193466.2, NM_001379198.1); short protein forms E136Q.
Identifiers: ClinVar variation 855078 (VCV000855078.9), dbSNP rs2046302554, ClinGen allele CA399981933.

ClinVar aggregate classification (germline): Uncertain significance (1 of 4 stars; one submission).

Conditions:
Koolen-de Vries syndrome (KDVS). Identifiers: Orphanet 96169, MedGen C1864871, MONDO:0012496, OMIM 610443.

Allele frequency attached by ClinVar (database versions not stated): gnomAD 0.00001.
gnomAD v4.1: 1 of 1,580,040 alleles (0.000063%); highest among the groups gnomAD compares: African/African-American, 0.0014%; no homozygotes.

Submission:

Labcorp Genetics (formerly Invitae), Labcorp
Classification: Uncertain significance for Koolen-de Vries syndrome. Last evaluated: 2022-07-11. Review status: criteria provided, single submitter. Criteria: Invitae Variant Classification Sherloc (09022015). Collection method: clinical testing. Allele origin: germline.
Comment: Until the location of this sequence change can be resolved, the clinical significance of this variant remains uncertain. It has been classified as a Variant of Uncertain Significance. Algorithms developed to predict the effect of missense changes on protein structure and function are either unavailable or do not agree on the potential impact of this missense change (SIFT: "Tolerated"; PolyPhen-2: "Probably Damaging"; Align-GVGD: "Class C0"). ClinVar contains an entry for this variant (Variation ID: 855078). This variant has not been reported in the literature in individuals with KANSL1-related conditions. This variant is not present in population databases (gnomAD no frequency). This sequence change replaces glutamic acid, which is acidic and polar, with glutamine, which is neutral and polar, at codon 136 of the KANSL1 protein (p.Glu136Gln). Due to the possible presence of a polymorphic segmental duplication, the location of the variant could not be unambiguously resolved. Variants with ambiguous mapping are still reported relative to the KANSL1 transcript.